The following is an entry in ClinVar:

ClinVar aggregate classification (germline): Uncertain significance (1 of 4 stars; one submission).

Conditions:
Familial hypercholesterolemia. Also called: Familial hypercholesterolaemia. Identifiers: MedGen C0020445, MONDO:0005439.

gnomAD v4.1: 4 of 1,575,962 alleles (0.00025%); highest among the groups gnomAD compares: Non-Finnish European, 0.00034%; no homozygotes.

Submission:

Color Diagnostics, LLC DBA Color Health
Classification: Uncertain significance for Familial hypercholesterolemia. Last evaluated: 2023-05-08. Review status: criteria provided, single submitter. Criteria: ACMG Guidelines, 2015. Collection method: clinical testing. Allele origin: germline.
Comment: This missense variant replaces glycine with alanine at codon 59 of the PCSK9 protein. Computational prediction suggests that this variant may not impact protein structure and function (internally defined REVEL score threshold <= 0.5, PMID: 27666373). To our knowledge, functional studies have not been reported for this variant. This variant has not been reported in individuals affected with PCSK9-related disorders in the literature. This variant has not been identified in the general population by the Genome Aggregation Database (gnomAD). The available evidence is insufficient to determine the role of this variant in disease conclusively. Therefore, this variant is classified as a Variant of Uncertain Significance.

NM_174936.4(PCSK9):c.176G>C (p.Gly59Ala)

Gene: PCSK9 (proprotein convertase subtilisin/kexin type 9; plus strand). Cytogenetic location: 1p32.3.
Variant type: single nucleotide variant.
Coding change: c.176G>C on transcript NM_174936.4 (MANE Select); coding-DNA position 176, G replaced by C.
Protein change: p.Gly59Ala; replaces glycine 59 with alanine.
Molecular consequence: missense variant. On other transcripts: 5 prime UTR variant (1), non-coding transcript variant (8).
Genome position (GRCh38, 1-based): chr1:55,040,013, G>C. VCF-style: chr1-55040013-G-C. GRCh37 (hg19) VCF-style: chr1-55505686-G-C.
Other names: c.176G>C, p.Gly59Ala (NM_001407243.1, NM_001407244.1, NM_001407245.1 and 4 more transcripts); c.-559G>C (NM_001407246.1); short protein forms G59A.
Identifiers: ClinVar variation 2774033 (VCV002774033.2), dbSNP rs1352763628, ClinGen allele CA340483157.